The following is an entry in ClinVar:

NM_006648.4(WNK2):c.1888A>G (p.Ser630Gly)

Gene: WNK2 (WNK lysine deficient protein kinase 2; plus strand). Cytogenetic location: 9q22.31.
Variant type: single nucleotide variant.
Coding change: c.1888A>G on transcript NM_006648.4 (MANE Select); coding-DNA position 1888, A replaced by G.
Protein change: p.Ser630Gly; replaces serine 630 with glycine.
Molecular consequence: missense variant.
Genome position (GRCh38, 1-based): chr9:93,252,936, A>G. VCF-style: chr9-93252936-A-G. GRCh37 (hg19) VCF-style: chr9-96015218-A-G.
Other names: c.1888A>G, p.Ser630Gly (NM_001282394.3); short protein forms S630G.
Identifiers: ClinVar variation 3982193 (VCV003982193.1).
Genomic context (GRCh38, chr9:93,252,936, plus strand): 5'-TCCCCAGCGGACAGCACCTTCGACAGCGGCCAGGGCTCTACCGTGTACTCAGACTCGCAG[A>G]GCAGCCAGCAGAGCGTGATGCTTGGCTCCCTTGCCGACGCAGCGCCGTCCCCGGCCCAGT-3'
Protein context (NP_006639.3, residues 620-640): QGSTVYSDSQ[Ser630Gly]SQQSVMLGSL

ClinVar aggregate classification (germline): Uncertain significance (1 of 4 stars; one submission).

Submission:

Ambry Genetics
Classification: Uncertain significance. Last evaluated: 2025-06-08. Review status: criteria provided, single submitter. Criteria: Ambry Variant Classification Scheme 2023. Collection method: clinical testing. Allele origin: germline.
Comment: The p.S630G variant (also known as c.1888A>G), located in coding exon 8 of the WNK2 gene, results from an A to G substitution at nucleotide position 1888. The serine at codon 630 is replaced by glycine, an amino acid with similar properties. This amino acid position is conserved. In addition, the in silico prediction for this alteration is inconclusive. Based on the available evidence, the clinical significance of this variant remains unclear.